The following is an entry in ClinVar:

NM_001211.6(BUB1B):c.848C>T (p.Ser283Phe)

Gene: BUB1B (BUB1 mitotic checkpoint serine/threonine kinase B; plus strand). Cytogenetic location: 15q15.1.
Variant type: single nucleotide variant.
Coding change: c.848C>T on transcript NM_001211.6 (MANE Select); coding-DNA position 848, C replaced by T.
Protein change: p.Ser283Phe; replaces serine 283 with phenylalanine.
Molecular consequence: missense variant.
Genome position (GRCh38, 1-based): chr15:40,185,261, C>T. VCF-style: chr15-40185261-C-T. GRCh37 (hg19) VCF-style: chr15-40477462-C-T.
Other names: short protein forms S283F.
Identifiers: ClinVar variation 4868016 (VCV004868016.1).

ClinVar aggregate classification (germline): Uncertain significance (1 of 4 stars; one submission).

Conditions:
Inborn genetic diseases. Identifiers: MedGen C0950123, MeSH D030342.

gnomAD v4.1: 1 of 1,613,974 alleles (0.000062%); no homozygotes.

Submission:

Ambry Genetics
Classification: Uncertain significance for Inborn genetic diseases. Last evaluated: 2026-05-27. Review status: criteria provided, single submitter. Criteria: Ambry Variant Classification Scheme 2023. Collection method: clinical testing. Allele origin: germline.
Comment: The p.S283F variant (also known as c.848C>T), located in coding exon 7 of the BUB1B gene, results from a C to T substitution at nucleotide position 848. The serine at codon 283 is replaced by phenylalanine, an amino acid with highly dissimilar properties. This amino acid position is conserved. In addition, this alteration is predicted to be tolerated by in silico analysis. Based on the available evidence, the clinical significance of this variant remains unclear.